The following is an entry in ClinVar:

NM_006516.4(SLC2A1):c.885G>A (p.Thr295=)

Gene: SLC2A1 (solute carrier family 2 member 1; minus strand). Cytogenetic location: 1p34.2.
Variant type: single nucleotide variant.
Coding change: c.885G>A on transcript NM_006516.4 (MANE Select); coding-DNA position 885, G replaced by A.
Protein change: p.Thr295=; no amino-acid change (threonine 295 retained).
Molecular consequence: synonymous variant.
Genome position (GRCh38, 1-based): chr1:42,929,297, C>T on the plus strand (G>A on the coding strand, the complement: SLC2A1 is on the minus strand). VCF-style: chr1-42929297-C-T. GRCh37 (hg19) VCF-style: chr1-43394968-C-T.
Other names: p.Thr295=; c.885G>A (NM_006516.3).
Identifiers: ClinVar variation 378610 (VCV000378610.19), dbSNP rs144685583, ClinGen allele CA803407.
Genomic context (GRCh38, chr1:42,929,297, plus strand): 5'-GATACCGGAGCCAATGGTGGCATACACAGGCTGCTGCACCCCCGCCTTCTCGAAGATGCT[C>T]GTGGAGTAATAGAAGACCTGCCAGACAAGAGAAACTGTTGGGGCCTACCTGGACATTGTG-3'
Protein context (NP_006507.2, residues 285-305): SGINAVFYYS[Thr295=]SIFEKAGVQQ

ClinVar aggregate classification (germline): Benign/Likely benign. Review status: criteria provided, multiple submitters, no conflicts (2 of 4 stars). 10 submissions from 6 submitters: Benign (1); Likely benign (8). 1 of the submissions does not count toward it. Last evaluated 2026-02-01.

Conditions:
SLC2A1-related disorder. Also called: SLC2A1-related condition; SLC2A1-related disorders.
Epilepsy, idiopathic generalized, susceptibility to, 12 (EIG12). Identifiers: MedGen C3553859, MONDO:0013919, OMIM 614847.
Dystonia 9 (DYT9). Also called: CHOREOATHETOSIS, KINESIGENIC, WITH EPISODIC ATAXIA AND SPASTICITY. Identifiers: Orphanet 53583, MedGen C1832855, MONDO:0010983, OMIM 601042.
Childhood onset GLUT1 deficiency syndrome 2. Also called: GLUT1 deficiency syndrome 2; Paroxysmal exercise-induced dystonia; PAROXYSMAL EXERCISE-INDUCED DYSKINESIA WITH OR WITHOUT EPILEPSY AND/OR HEMOLYTIC ANEMIA; PAROXYSMAL EXERTION-INDUCED DYSTONIA WITH OR WITHOUT EPILEPSY AND/OR HEMOLYTIC ANEMIA; PED WITH OR WITHOUT EPILEPSY AND/OR HEMOLYTIC ANEMIA; PxMD-SLC2A1. Identifiers: Orphanet 98811, MedGen C1842534, MONDO:0012805, OMIM 612126.
Encephalopathy due to GLUT1 deficiency. Also called: GLUT1 deficiency syndrome 1, infantile onset, severe; De Vivo disease; GLUT1 deficiency syndrome 1; Glucose transporter protein syndrome; Classic Glucose Transporter Type 1 Deficiency Syndrome; GLUCOSE TRANSPORT DEFECT, BLOOD-BRAIN BARRIER. Identifiers: Orphanet 71277, MedGen C4551966, MONDO:0011724, OMIM 606777.
GLUT1 deficiency syndrome 1, autosomal recessive. Identifiers: MedGen C3149117.
Hereditary cryohydrocytosis with reduced stomatin. Also called: GLUT1 DEFICIENCY SYNDROME WITH PSEUDOHYPERKALEMIA AND HEMOLYSIS; Stomatin-deficient cryohydrocytosis with neurologic defects. Identifiers: Orphanet 168577, MedGen C1837206, MONDO:0012143, OMIM 608885.

Allele frequency attached by ClinVar (database versions not stated): ESP Exome Variant Server 0.00008; gnomAD exomes 0.00008 and 0.00011; ExAC 0.00010; gnomAD 0.00016 and 0.00017; TOPMed 0.00029; 1000 Genomes Project 30x 0.00047; 1000 Genomes Project 0.00060.
gnomAD v4.1: 145 of 1,612,308 alleles (0.009%); highest among the groups gnomAD compares: Admixed American, 0.08%; no homozygotes.

Submissions (10):

CeGaT Center for Human Genetics Tuebingen
Classification: Likely benign. Last evaluated: 2026-02-01. Review status: criteria provided, single submitter. Criteria: CeGaT Center For Human Genetics Tuebingen Variant Classification Criteria Version 2. Collection method: clinical testing. Allele origin: germline. Affected: yes. Observed: 1 variant allele.
Comment: SLC2A1: BP4, BP7

Labcorp Genetics (formerly Invitae), Labcorp
Classification: Likely benign for GLUT1 deficiency syndrome 1, autosomal recessive. Last evaluated: 2026-01-06. Review status: criteria provided, single submitter. Criteria: Invitae Variant Classification Sherloc (09022015). Collection method: clinical testing. Allele origin: germline.

Mayo Clinic Laboratories, Mayo Clinic
Classification: Likely benign. Last evaluated: 2025-06-04. Review status: criteria provided, single submitter. Criteria: ACMG Guidelines, 2015. Collection method: clinical testing. Allele origin: germline. Observed: 1 variant allele.

Genome-Nilou Lab
Classification: Likely benign for Epilepsy, idiopathic generalized, susceptibility to, 12. Last evaluated: 2023-04-11. Review status: criteria provided, single submitter. Criteria: ACMG Guidelines, 2015. Collection method: clinical testing. Allele origin: germline. Affected: no.

Genome-Nilou Lab
Classification: Likely benign for Dystonia 9. Last evaluated: 2023-04-11. Review status: criteria provided, single submitter. Criteria: ACMG Guidelines, 2015. Collection method: clinical testing. Allele origin: germline. Affected: no.

Genome-Nilou Lab
Classification: Likely benign for Encephalopathy due to GLUT1 deficiency. Last evaluated: 2023-04-11. Review status: criteria provided, single submitter. Criteria: ACMG Guidelines, 2015. Collection method: clinical testing. Allele origin: germline. Affected: no.

Genome-Nilou Lab
Classification: Likely benign for Childhood onset GLUT1 deficiency syndrome 2. Last evaluated: 2023-04-11. Review status: criteria provided, single submitter. Criteria: ACMG Guidelines, 2015. Collection method: clinical testing. Allele origin: germline. Affected: no.

Genome-Nilou Lab
Classification: Likely benign for Hereditary cryohydrocytosis with reduced stomatin. Last evaluated: 2023-04-11. Review status: criteria provided, single submitter. Criteria: ACMG Guidelines, 2015. Collection method: clinical testing. Allele origin: germline. Affected: no.

GeneDx
Classification: Benign. Last evaluated: 2016-05-30. Review status: criteria provided, single submitter. Criteria: GeneDx Variant Classification (06012015). Collection method: clinical testing. Allele origin: germline. Affected: yes.
Comment: This variant is considered likely benign or benign based on one or more of the following criteria: it is a conservative change, it occurs at a poorly conserved position in the protein, it is predicted to be benign by multiple in silico algorithms, and/or has population frequency not consistent with disease.

PreventionGenetics, part of Exact Sciences
Classification: Likely benign for SLC2A1-related condition. Last evaluated: 2022-11-09. Review status: no assertion criteria provided. Collection method: clinical testing. Allele origin: germline. Not counted in ClinVar's aggregate classification.
Comment: This variant is classified as likely benign based on ACMG/AMP sequence variant interpretation guidelines (Richards et al. 2015 PMID: 25741868, with internal and published modifications).